The following is an entry in ClinVar:

ClinVar aggregate classification (germline): Conflicting classifications of pathogenicity. Review status: criteria provided, conflicting classifications (1 of 4 stars). 5 submissions from 5 submitters: Uncertain significance (2); Likely benign (3). Last evaluated 2026-01-12.

Conditions:
Orthostatic hypotension 1 (ORTHYP1). Also called: Dopamine beta-hydroxylase deficiency; NORADRENALINE DEFICIENCY; NOREPINEPHRINE DEFICIENCY; Orthostatic hypotension 1, due to DBH deficiency. Identifiers: Orphanet 230, MedGen C4746777, MONDO:0009123, OMIM 223360.
DBH-related disorder. Also called: DBH-related condition.

Allele frequency attached by ClinVar (database versions not stated): gnomAD 0.00036 and 0.00034; TOPMed 0.00037; ExAC 0.00045; ESP Exome Variant Server 0.00054.
gnomAD v4.1: 570 of 1,614,152 alleles (0.035%); highest among the groups gnomAD compares: Middle Eastern, 0.15%; 2 homozygotes.

Submissions (5):

Labcorp Genetics (formerly Invitae), Labcorp
Classification: Likely benign for Orthostatic hypotension 1. Last evaluated: 2026-01-12. Review status: criteria provided, single submitter. Criteria: Invitae Variant Classification Sherloc (09022015). Collection method: clinical testing. Allele origin: germline.

PreventionGenetics, part of Exact Sciences
Classification: Likely benign for DBH-related condition. Last evaluated: 2024-11-19. Review status: criteria provided, single submitter. Criteria: ACMG Guidelines, 2015. Collection method: clinical testing. Allele origin: germline.
Comment: This variant is classified as likely benign based on ACMG/AMP sequence variant interpretation guidelines (Richards et al. 2015 PMID: 25741868, with internal and published modifications).

CeGaT Center for Human Genetics Tuebingen
Classification: Likely benign. Last evaluated: 2024-07-01. Review status: criteria provided, single submitter. Criteria: CeGaT Center For Human Genetics Tuebingen Variant Classification Criteria Version 2. Collection method: clinical testing. Allele origin: germline. Affected: yes. Observed: 2 variant alleles.
Comment: DBH: BP4

Illumina Laboratory Services, Illumina
Classification: Uncertain significance for Orthostatic hypotension 1. Last evaluated: 2018-01-13. Review status: criteria provided, single submitter. Criteria: ICSL Variant Classification Criteria 13 December 2019. Collection method: clinical testing. Allele origin: germline.

Center for Pediatric Genomic Medicine, Children's Mercy Hospital and Clinics
Classification: Uncertain significance. Last evaluated: 2017-02-09. Review status: criteria provided, single submitter. Criteria: ACMG Guidelines, 2015. Collection method: clinical testing. Allele origin: germline.
ClinVar note: Converted during submission from Uncertain Significance to Uncertain significance.

NM_000787.4(DBH):c.1025-6T>A

Gene: DBH (dopamine beta-hydroxylase; plus strand). Cytogenetic location: 9q34.2.
Variant type: single nucleotide variant.
Coding change: c.1025-6T>A on transcript NM_000787.4 (MANE Select); 6 bases into the intron before coding-DNA position 1025, T replaced by A.
Molecular consequence: intron variant.
Genome position (GRCh38, 1-based): chr9:133,647,840, T>A. VCF-style: chr9-133647840-T-A. GRCh37 (hg19) VCF-style: chr9-136512962-T-A.
Identifiers: ClinVar variation 365655 (VCV000365655.43), dbSNP rs199926239, ClinGen allele CA5313288.